The following is an entry in ClinVar:

NM_000268.4(NF2):c.1434G>C (p.Lys478Asn)

Gene: NF2 (NF2, moesin-ezrin-radixin like (MERLIN) tumor suppressor; plus strand). Cytogenetic location: 22q12.2.
Variant type: single nucleotide variant.
Coding change: c.1434G>C on transcript NM_000268.4 (MANE Select); coding-DNA position 1434, G replaced by C.
Protein change: p.Lys478Asn; replaces lysine 478 with asparagine.
Molecular consequence: missense variant. On other transcripts: non-coding transcript variant (1), intron variant (1).
Genome position (GRCh38, 1-based): chr22:29,674,929, G>C. VCF-style: chr22-29674929-G-C. GRCh37 (hg19) VCF-style: chr22-30070918-G-C.
Other names: c.1434G>C, p.Lys478Asn (NM_016418.5, NM_181825.3, NM_181832.3); c.1308G>C, p.Lys436Asn (NM_181828.3); c.1311G>C, p.Lys437Asn (NM_181829.3); c.1185G>C, p.Lys395Asn (NM_181830.3, NM_181831.3); c.448-19823G>C (NM_181833.3); c.1434G>C (NM_000268.3); short protein forms K437N, K478N, K395N, K436N.
Identifiers: ClinVar variation 1440198 (VCV001440198.9), dbSNP rs2147093727, ClinGen allele CA411149192.

ClinVar aggregate classification (germline): Uncertain significance. Review status: criteria provided, multiple submitters, no conflicts (2 of 4 stars). 2 submissions from 2 submitters: Uncertain significance (2). Last evaluated 2025-11-16.

Conditions:
Neurofibromatosis, type 2 (SWNV). Also called: BILATERAL ACOUSTIC NEUROFIBROMATOSIS; SCHWANNOMATOSIS, VESTIBULAR; NF2-Related Schwannomatosis. Identifiers: Orphanet 637, MedGen C0027832, MONDO:0007039, OMIM 101000. Disease mechanism: loss of function.
Hereditary cancer-predisposing syndrome. Also called: Hereditary Cancer Syndrome; Neoplastic Syndromes, Hereditary; Hereditary neoplastic syndrome; Tumor predisposition. Identifiers: Orphanet 140162, MedGen C0027672, MeSH D009386, MONDO:0015356.

Submissions (2):

Ambry Genetics
Classification: Uncertain significance for Hereditary cancer-predisposing syndrome. Last evaluated: 2025-11-16. Review status: criteria provided, single submitter. Criteria: Ambry Variant Classification Scheme 2023. Collection method: clinical testing. Allele origin: germline.
Comment: The p.K478N variant (also known as c.1434G>C), located in coding exon 13 of the NF2 gene, results from a G to C substitution at nucleotide position 1434. The lysine at codon 478 is replaced by asparagine, an amino acid with similar properties. This amino acid position is conserved. In addition, this alteration is predicted to be tolerated by in silico analysis. Based on the available evidence, the clinical significance of this variant remains unclear.

Labcorp Genetics (formerly Invitae), Labcorp
Classification: Uncertain significance for Neurofibromatosis, type 2. Last evaluated: 2020-11-25. Review status: criteria provided, single submitter. Criteria: Invitae Variant Classification Sherloc (09022015). Collection method: clinical testing. Allele origin: germline.
Comment: In summary, the available evidence is currently insufficient to determine the role of this variant in disease. Therefore, it has been classified as a Variant of Uncertain Significance. Algorithms developed to predict the effect of missense changes on protein structure and function are either unavailable or do not agree on the potential impact of this missense change (SIFT: "Tolerated"; PolyPhen-2: "Possibly Damaging"; Align-GVGD: "Class C0"). This variant has not been reported in the literature in individuals with NF2-related conditions. This variant is not present in population databases (ExAC no frequency). This sequence change replaces lysine with asparagine at codon 478 of the NF2 protein (p.Lys478Asn). The lysine residue is moderately conserved and there is a moderate physicochemical difference between lysine and asparagine.